The following is an entry in ClinVar:

NM_153676.4(USH1C):c.294C>T (p.Leu98=)

Gene: USH1C (USH1 protein network component harmonin; minus strand). Cytogenetic location: 11p15.1.
Variant type: single nucleotide variant.
Coding change: c.294C>T on transcript NM_153676.4 (MANE Select); coding-DNA position 294, C replaced by T.
Protein change: p.Leu98=; no amino-acid change (leucine 98 retained).
Molecular consequence: synonymous variant. On other transcripts: non-coding transcript variant (1).
Genome position (GRCh38, 1-based): chr11:17,531,247, G>A on the plus strand (C>T on the coding strand, the complement: USH1C is on the minus strand). VCF-style: chr11-17531247-G-A. GRCh37 (hg19) VCF-style: chr11-17552794-G-A.
Other names: c.294C>T, p.Leu98= (NM_001297764.2, NM_005709.4).
Identifiers: ClinVar variation 48012 (VCV000048012.22), dbSNP rs34055234, ClinGen allele CA142368.

ClinVar aggregate classification (germline): Benign. Review status: criteria provided, multiple submitters, no conflicts (2 of 4 stars). 7 submissions from 7 submitters: Benign (6). 1 of the submissions does not count toward it. Last evaluated 2026-02-02.

Conditions:
Usher syndrome type 1C. Also called: USHER SYNDROME, TYPE I, ACADIAN VARIETY. Identifiers: Orphanet 231169, Orphanet 886, MedGen C1848604, MONDO:0010171, OMIM 276904.

Allele frequency attached by ClinVar (database versions not stated): gnomAD exomes 0.00554; ExAC 0.00673; gnomAD 0.02114 and 0.02295; 1000 Genomes Project 0.02137; TOPMed 0.02281; 1000 Genomes Project 30x 0.02295; ESP Exome Variant Server 0.02302.
gnomAD v4.1: 6,335 of 1,614,118 alleles (0.39%); highest among the groups gnomAD compares: African/African-American, 7.5%; 228 homozygotes.

Submissions (7):

Labcorp Genetics (formerly Invitae), Labcorp
Classification: Benign. Last evaluated: 2026-02-02. Review status: criteria provided, single submitter. Criteria: Invitae Variant Classification Sherloc (09022015). Collection method: clinical testing. Allele origin: germline.

Athena Diagnostics
Classification: Benign. Last evaluated: 2018-08-31. Review status: criteria provided, single submitter. Criteria: Athena Diagnostics Criteria. Collection method: clinical testing. Allele origin: germline.

GeneDx
Classification: Benign. Last evaluated: 2017-10-09. Review status: criteria provided, single submitter. Criteria: GeneDx Variant Classification (06012015). Collection method: clinical testing. Allele origin: germline. Affected: yes.
Comment: This variant is considered likely benign or benign based on one or more of the following criteria: it is a conservative change, it occurs at a poorly conserved position in the protein, it is predicted to be benign by multiple in silico algorithms, and/or has population frequency not consistent with disease.

Illumina Laboratory Services, Illumina
Classification: Benign for Usher syndrome type 1C. Last evaluated: 2017-04-27. Review status: criteria provided, single submitter. Criteria: ICSL Variant Classification Criteria 13 December 2019. Collection method: clinical testing. Allele origin: germline.
Comment: This variant was observed as part of a predisposition screen in an ostensibly healthy population. A literature search was performed for the gene, cDNA change, and amino acid change (where applicable). No publications were found based on this search. Allele frequency data from public databases was too high to be consistent with this variant causing disease. Therefore, this variant is classified as benign.

Laboratory for Molecular Medicine, Mass General Brigham Personalized Medicine
Classification: Benign. Last evaluated: 2011-11-07. Review status: criteria provided, single submitter. Criteria: LMM Criteria. Collection method: clinical testing. Allele origin: germline. Observed: 34 variant alleles.
Comment: Leu98Leu in exon 4 of USH1C: This variant is not expected to have clinical signi ficance because it does not alter an amino acid residue, is not located near a s plice junction and has a frequency of 2.2% (151/6811) of chromosomes from a broa d population (dbSNP rs34055234).

Breakthrough Genomics
Classification: Benign. Review status: criteria provided, single submitter. Criteria: ACMG Guidelines, 2015. Collection method: not provided. Allele origin: germline. Inheritance: Autosomal recessive inheritance. Affected: yes.

Natera, Inc.
Classification: Benign for Usher syndrome type 1C. Last evaluated: 2020-09-16. Review status: no assertion criteria provided. Collection method: clinical testing. Allele origin: germline. Not counted in ClinVar's aggregate classification.

Literature cited by the submitters: PubMed 16679490 (cited by Laboratory for Molecular Medicine, Mass General Brigham Personalized Medicine).